The following is an entry in ClinVar:

ClinVar aggregate classification (germline): Conflicting classifications of pathogenicity. Review status: criteria provided, conflicting classifications (1 of 4 stars). 7 submissions from 7 submitters: Likely pathogenic (1); Uncertain significance (4). 2 of the submissions do not count toward it. Last evaluated 2025-06-20.

Conditions:
PKHD1-related disorder. Also called: PKHD1-related condition.
Autosomal recessive polycystic kidney disease (ARPKD). Also called: AR polycystic kidney disease. Identifiers: Orphanet 731, Orphanet 8378, MedGen C0085548, MeSH D017044, MONDO:0009889.

Submissions (7):

GeneDx
Classification: Uncertain significance. Last evaluated: 2025-06-20. Review status: criteria provided, single submitter. Criteria: GeneDx Variant Classification Process June 2021. Collection method: clinical testing. Allele origin: germline. Affected: yes.
Comment: Observed with a second variant (phase unknown) in a patient with polycystic kidney disease in published literature (PMID: 33940108); Not observed at significant frequency in large population cohorts (gnomAD); In silico analysis supports that this missense variant has a deleterious effect on protein structure/function; This variant is associated with the following publications: (PMID: 33940108)

Women's Health and Genetics/Laboratory Corporation of America, LabCorp
Classification: Uncertain significance. Last evaluated: 2024-05-29. Review status: criteria provided, single submitter. Criteria: LabCorp Variant Classification Summary - May 2015. Collection method: clinical testing. Allele origin: germline.
Comment: Variant summary: PKHD1 c.3122G>A (p.Gly1041Asp) results in a non-conservative amino acid change located in the IPT domain (IPR002909) of the encoded protein sequence. Five of five in-silico tools predict a damaging effect of the variant on protein function. The variant was absent in 251336 control chromosomes (gnomAD). The available data on variant occurrences in the general population are insufficient to allow any conclusion about variant significance. c.3122G>A has been reported in the literature in individuals affected with Polycystic Kidney And Hepatic Disease (Burgmaier_2021). These data do not allow any conclusion about variant significance. To our knowledge, no experimental evidence demonstrating an impact on protein function has been reported. The following publication has been ascertained in the context of this evaluation (PMID: 33940108). ClinVar contains an entry for this variant (Variation ID: 196145). Based on the evidence outlined above, the variant was classified as uncertain significance.

Blueprint Genetics
Classification: Likely pathogenic for PKHD1-related disorders. Last evaluated: 2018-07-03. Review status: criteria provided, single submitter. Criteria: ACMG Guidelines, 2015. Collection method: clinical testing. Allele origin: germline. Affected: yes. Observed: 1 variant allele.

Center for Pediatric Genomic Medicine, Children's Mercy Hospital and Clinics
Classification: Uncertain significance. Last evaluated: 2015-11-23. Review status: criteria provided, single submitter. Criteria: ACMG Guidelines, 2015. Collection method: clinical testing. Allele origin: germline.
ClinVar note: Converted during submission from Uncertain Significance to Uncertain significance.

Eurofins Ntd Llc (ga)
Classification: Uncertain significance. Last evaluated: 2014-10-13. Review status: criteria provided, single submitter. Criteria: EGL Classification Definitions 2015. Collection method: clinical testing. Allele origin: germline. Observed: 1 variant allele, 1 heterozygote.

PreventionGenetics, part of Exact Sciences
Classification: Uncertain significance for PKHD1-related condition. Last evaluated: 2024-05-04. Review status: no assertion criteria provided. Collection method: clinical testing. Allele origin: germline. Not counted in ClinVar's aggregate classification.
Comment: The PKHD1 c.3122G>A variant is predicted to result in the amino acid substitution p.Gly1041Asp. This variant has not been reported in a large population database, indicating this variant is rare. This variant has been reported with a suspected pathogenic variant (c.778G>A, p.Glu260Lys) in an individual with autosomal recessive polycystic kidney disease (ARPKD) (Burgmaier et al. 2021. PubMed ID: 33940108, Supplementary table S4). Therefore, we highly suspect this variant is pathogenic. At this time, however, the clinical significance of this variant is uncertain due to the absence of conclusive functional and genetic evidence.

Natera, Inc.
Classification: Uncertain significance for Autosomal recessive polycystic kidney disease. Last evaluated: 2020-09-16. Review status: no assertion criteria provided. Collection method: clinical testing. Allele origin: germline. Not counted in ClinVar's aggregate classification.

Literature cited by the submitters: PubMed 33940108 (cited by Women's Health and Genetics/Laboratory Corporation of America, LabCorp).

NM_138694.4(PKHD1):c.3122G>A (p.Gly1041Asp)

Gene: PKHD1 (PKHD1 ciliary IPT domain containing fibrocystin/polyductin; minus strand). Cytogenetic location: 6p12.2.
Variant type: single nucleotide variant.
Coding change: c.3122G>A on transcript NM_138694.4 (MANE Select); coding-DNA position 3122, G replaced by A.
Protein change: p.Gly1041Asp; replaces glycine 1041 with aspartic acid.
Molecular consequence: missense variant.
Genome position (GRCh38, 1-based): chr6:52,035,697, C>T on the plus strand (G>A on the coding strand, the complement: PKHD1 is on the minus strand). VCF-style: chr6-52035697-C-T. GRCh37 (hg19) VCF-style: chr6-51900495-C-T.
Other names: c.3122G>A, p.Gly1041Asp (NM_170724.3); short protein forms G1041D.
Identifiers: ClinVar variation 196145 (VCV000196145.14), dbSNP rs794727466, ClinGen allele CA242990.
Genomic context (GRCh38, chr6:52,035,697, plus strand): 5'-ACATTGATGGCACACGAGTAAGATCCAAATAATATCAGGCTAACACCTTCCAAACTAGAG[C>T]CTCGGATGGTGGCCCAGAGCCCTCCTGTAACAAAAACAGCATATTCAAATGGGATCACCA-3'
Protein context (NP_619639.3, residues 1031-1051): DIGGLWATIR[Gly1041Asp]SSLEGVSLIL